The following is an entry in ClinVar:

NM_005475.3(SH2B3):c.1062G>C (p.Lys354Asn)

Gene: SH2B3 (SH2B adaptor protein 3; plus strand). Cytogenetic location: 12q24.12.
Variant type: single nucleotide variant.
Coding change: c.1062G>C on transcript NM_005475.3 (MANE Select); coding-DNA position 1062, G replaced by C.
Protein change: p.Lys354Asn; replaces lysine 354 with asparagine.
Molecular consequence: missense variant.
Genome position (GRCh38, 1-based): chr12:111,447,370, G>C. VCF-style: chr12-111447370-G-C. GRCh37 (hg19) VCF-style: chr12-111885174-G-C.
Other names: c.456G>C, p.Lys152Asn (NM_001291424.1); short protein forms K354N, K152N.
Identifiers: ClinVar variation 3795244 (VCV003795244.1).
Genomic context (GRCh38, chr12:111,447,370, plus strand): 5'-TCACCCATCTTATCTAACAGGTGCTTCTCCTGGGGGGCTGCTGGACCCGGCCTGCCAGAA[G>C]ACGGACCATTTCCTGTCCTGCTACCCCTGGTTCCACGGCCCCATCTCCAGAGTGAAAGCA-3'
Protein context (NP_005466.1, residues 344-364): PGGLLDPACQ[Lys354Asn]TDHFLSCYPW

ClinVar aggregate classification (germline): Uncertain significance (1 of 4 stars; one submission).

Conditions:
Inborn genetic diseases. Identifiers: MedGen C0950123, MeSH D030342.

Submission:

Ambry Genetics
Classification: Uncertain significance for Inborn genetic diseases. Last evaluated: 2025-03-09. Review status: criteria provided, single submitter. Criteria: Ambry Variant Classification Scheme 2023. Collection method: clinical testing. Allele origin: germline.
Comment: The p.K354N variant (also known as c.1062G>C), located in coding exon 5 of the SH2B3 gene, results from a G to C substitution at nucleotide position 1062. The lysine at codon 354 is replaced by asparagine, an amino acid with similar properties. This amino acid position is conserved. In addition, this alteration is predicted to be tolerated by in silico analysis. Based on the available evidence, the clinical significance of this variant remains unclear.